The following is an entry in ClinVar:

ClinVar aggregate classification (germline): Uncertain significance. Review status: criteria provided, multiple submitters, no conflicts (2 of 4 stars). 2 submissions from 2 submitters: Uncertain significance (2). Last evaluated 2026-02-04.

Conditions:
Inborn genetic diseases. Identifiers: MedGen C0950123, MeSH D030342.

Allele frequency attached by ClinVar (database versions not stated): gnomAD exomes 0.00002; ExAC 0.00010; gnomAD 0.00035; TOPMed 0.00040; ESP Exome Variant Server 0.00058.
gnomAD v4.1: 89 of 1,614,150 alleles (0.0055%); highest among the groups gnomAD compares: African/African-American, 0.11%; no homozygotes.

Submissions (2):

Labcorp Genetics (formerly Invitae), Labcorp
Classification: Uncertain significance. Last evaluated: 2026-02-04. Review status: criteria provided, single submitter. Criteria: Invitae Variant Classification Sherloc (09022015). Collection method: clinical testing. Allele origin: germline.
Comment: This sequence change replaces serine, which is neutral and polar, with asparagine, which is neutral and polar, at codon 871 of the EFL1 protein (p.Ser871Asn). This variant is present in population databases (rs201150207, gnomAD 0.1%). This variant has not been reported in the literature in individuals affected with EFL1-related conditions. ClinVar contains an entry for this variant (Variation ID: 2155293). Invitae Evidence Modeling of protein sequence and biophysical properties (such as structural, functional, and spatial information, amino acid conservation, physicochemical variation, residue mobility, and thermodynamic stability) indicates that this missense variant is not expected to disrupt EFL1 protein function with a negative predictive value of 80%. In summary, the available evidence is currently insufficient to determine the role of this variant in disease. Therefore, it has been classified as a Variant of Uncertain Significance.

Ambry Genetics
Classification: Uncertain significance for Inborn genetic diseases. Last evaluated: 2022-02-07. Review status: criteria provided, single submitter. Criteria: Ambry Variant Classification Scheme 2023. Collection method: clinical testing. Allele origin: germline.

NM_024580.6(EFL1):c.2612G>A (p.Ser871Asn)

Gene: EFL1 (elongation factor like GTPase 1; minus strand). Cytogenetic location: 15q25.2.
Variant type: single nucleotide variant.
Coding change: c.2612G>A on transcript NM_024580.6 (MANE Select); coding-DNA position 2612, G replaced by A.
Protein change: p.Ser871Asn; replaces serine 871 with asparagine.
Molecular consequence: missense variant. On other transcripts: non-coding transcript variant (1).
Genome position (GRCh38, 1-based): chr15:82,151,842, C>T on the plus strand (G>A on the coding strand, the complement: EFL1 is on the minus strand). VCF-style: chr15-82151842-C-T. GRCh37 (hg19) VCF-style: chr15-82444183-C-T.
Other names: c.2612G>A (NM_024580.5); c.2459G>A, p.Ser820Asn (NM_001040610.3); c.1823G>A, p.Ser608Asn (NM_001322844.2); c.2612G>A, p.Ser871Asn (NM_001322845.2); short protein forms S871N, S608N, S820N.
Identifiers: ClinVar variation 2155293 (VCV002155293.5), dbSNP rs201150207, ClinGen allele CA7697722.